The following is an entry in ClinVar:

ClinVar aggregate classification (germline): Uncertain significance (1 of 4 stars; one submission).

Conditions:
Hereditary cancer-predisposing syndrome. Also called: Neoplastic Syndromes, Hereditary; Tumor predisposition; Hereditary neoplastic syndrome; Hereditary Cancer Syndrome. Identifiers: Orphanet 140162, MedGen C0027672, MeSH D009386, MONDO:0015356.

Submission:

Ambry Genetics
Classification: Uncertain significance for Hereditary cancer-predisposing syndrome. Last evaluated: 2023-12-21. Review status: criteria provided, single submitter. Criteria: Ambry Variant Classification Scheme 2023. Collection method: clinical testing. Allele origin: germline.
Comment: The p.S421R variant (also known as c.1263C>G), located in coding exon 9 of the STK11 gene, results from a C to G substitution at nucleotide position 1263. The serine at codon 421 is replaced by arginine, an amino acid with dissimilar properties. This amino acid position is not well conserved in available vertebrate species. In addition, this alteration is predicted to be tolerated by in silico analysis. Since supporting evidence is limited at this time, the clinical significance of this alteration remains unclear.

NM_000455.5(STK11):c.1263C>G (p.Ser421Arg)

Gene: STK11 (serine/threonine kinase 11; plus strand). Cytogenetic location: 19p13.3.
Variant type: single nucleotide variant.
Coding change: c.1263C>G on transcript NM_000455.5 (MANE Select); coding-DNA position 1263, C replaced by G.
Protein change: p.Ser421Arg; replaces serine 421 with arginine.
Molecular consequence: missense variant. On other transcripts: non-coding transcript variant (1).
Genome position (GRCh38, 1-based): chr19:1,226,608, C>G. VCF-style: chr19-1226608-C-G. GRCh37 (hg19) VCF-style: chr19-1226607-C-G.
Other names: short protein forms S421R.
Identifiers: ClinVar variation 3231735 (VCV003231735.1), dbSNP rs1472814508, ClinGen allele CA402954105.